The following is an entry in ClinVar:

NM_014920.5(CILK1):c.1480C>T (p.Arg494Ter)

Gene: CILK1 (ciliogenesis associated kinase 1; minus strand). Cytogenetic location: 6p12.1.
Variant type: single nucleotide variant.
Coding change: c.1480C>T on transcript NM_014920.5 (MANE Select); coding-DNA position 1480, C replaced by T.
Protein change: p.Arg494Ter; replaces arginine 494 with a stop codon.
Molecular consequence: nonsense. On other transcripts: non-coding transcript variant (1).
Genome position (GRCh38, 1-based): chr6:53,011,781, G>A on the plus strand (C>T on the coding strand, the complement: CILK1 is on the minus strand). VCF-style: chr6-53011781-G-A. GRCh37 (hg19) VCF-style: chr6-52876579-G-A.
Other names: c.1501C>T, p.Arg501Ter (NM_001375397.1); c.1480C>T, p.Arg494Ter (NM_001375398.1, NM_001375399.1, NM_001375400.1 and 3 more transcripts); short protein forms R494*, R501*.
Identifiers: ClinVar variation 1926962 (VCV001926962.5), dbSNP rs755230589, ClinGen allele CA3858534.

ClinVar aggregate classification (germline): Uncertain significance (1 of 4 stars; one submission).

Allele frequency attached by ClinVar (database versions not stated): gnomAD exomes 0.00001; TOPMed 0.00001; ExAC 0.00002.
gnomAD v4.1: 10 of 1,613,976 alleles (0.00062%); highest among the groups gnomAD compares: Admixed American, 0.0067%; no homozygotes.

Submission:

Labcorp Genetics (formerly Invitae), Labcorp
Classification: Uncertain significance. Last evaluated: 2025-10-22. Review status: criteria provided, single submitter. Criteria: Invitae Variant Classification Sherloc (09022015). Collection method: clinical testing. Allele origin: germline.
Comment: This sequence change creates a premature translational stop signal (p.Arg494*) in the ICK gene. It is expected to result in an absent or disrupted protein product. However, the current clinical and genetic evidence is not sufficient to establish whether loss-of-function variants in ICK cause disease. This variant is present in population databases (rs755230589, gnomAD 0.01%). This variant has not been reported in the literature in individuals affected with ICK-related conditions. ClinVar contains an entry for this variant (Variation ID: 1926962). In summary, the available evidence is currently insufficient to determine the role of this variant in disease. Therefore, it has been classified as a Variant of Uncertain Significance.